The following is an entry in ClinVar:

NM_020937.4(FANCM):c.484C>A (p.Gln162Lys)

Gene: FANCM (FA complementation group M; plus strand). Cytogenetic location: 14q21.2.
Variant type: single nucleotide variant.
Coding change: c.484C>A on transcript NM_020937.4 (MANE Select); coding-DNA position 484, C replaced by A.
Protein change: p.Gln162Lys; replaces glutamine 162 with lysine.
Molecular consequence: missense variant.
Genome position (GRCh38, 1-based): chr14:45,136,515, C>A. VCF-style: chr14-45136515-C-A. GRCh37 (hg19) VCF-style: chr14-45605718-C-A.
Other names: c.484C>A, p.Gln162Lys (NM_001308133.2, NM_001308134.2); short protein forms Q162K.
Identifiers: ClinVar variation 3848709 (VCV003848709.1).

ClinVar aggregate classification (germline): Uncertain significance (1 of 4 stars; one submission).

Conditions:
Inborn genetic diseases. Identifiers: MedGen C0950123, MeSH D030342.

Submission:

Ambry Genetics
Classification: Uncertain significance for Inborn genetic diseases. Last evaluated: 2025-02-08. Review status: criteria provided, single submitter. Criteria: Ambry Variant Classification Scheme 2023. Collection method: clinical testing. Allele origin: germline.
Comment: The p.Q162K variant (also known as c.484C>A), located in coding exon 1 of the FANCM gene, results from a C to A substitution at nucleotide position 484. The glutamine at codon 162 is replaced by lysine, an amino acid with similar properties. This amino acid position is conserved. In addition, this alteration is predicted to be tolerated by in silico analysis. Based on the available evidence, the clinical significance of this variant remains unclear.